The following is an entry in ClinVar:

ClinVar aggregate classification (germline): Likely pathogenic (1 of 4 stars; one submission).

Submission:

Labcorp Genetics (formerly Invitae), Labcorp
Classification: Likely pathogenic. Last evaluated: 2024-08-16. Review status: criteria provided, single submitter. Criteria: Invitae Variant Classification Sherloc (09022015). Collection method: clinical testing. Allele origin: germline.
Comment: This sequence change affects a donor splice site in intron 3 of the PCNT gene. It is expected to disrupt RNA splicing. Variants that disrupt the donor or acceptor splice site typically lead to a loss of protein function (PMID: 16199547), and loss-of-function variants in PCNT are known to be pathogenic (PMID: 18174396, 22821869). This variant is not present in population databases (gnomAD no frequency). This variant has not been reported in the literature in individuals affected with PCNT-related conditions. Algorithms developed to predict the effect of sequence changes on RNA splicing suggest that this variant may disrupt the consensus splice site. In summary, the currently available evidence indicates that the variant is pathogenic, but additional data are needed to prove that conclusively. Therefore, this variant has been classified as Likely Pathogenic.

Literature cited by the submitters: PubMed 16199547; PubMed 18174396; PubMed 22821869.

NM_006031.6(PCNT):c.639+2T>C

Gene: PCNT (pericentrin; plus strand). Cytogenetic location: 21q22.3.
Variant type: single nucleotide variant.
Coding change: c.639+2T>C on transcript NM_006031.6 (MANE Select); the canonical splice donor site of the intron after coding-DNA position 639, T replaced by C.
Molecular consequence: splice donor variant.
Genome position (GRCh38, 1-based): chr21:46,334,770, T>C. VCF-style: chr21-46334770-T-C. GRCh37 (hg19) VCF-style: chr21-47754684-T-C.
Other names: c.285+2T>C (NM_001315529.2).
Identifiers: ClinVar variation 3662674 (VCV003662674.2).